The following is an entry in ClinVar:

ClinVar aggregate classification (germline): Likely benign (1 of 4 stars; one submission).

gnomAD v4.1: 1,832 of 1,613,926 alleles (0.11%); highest among the groups gnomAD compares: Non-Finnish European, 0.12%; 2 homozygotes.

Submission:

CeGaT Center for Human Genetics Tuebingen
Classification: Likely benign. Last evaluated: 2025-05-01. Review status: criteria provided, single submitter. Criteria: CeGaT Center For Human Genetics Tuebingen Variant Classification Criteria Version 2. Collection method: clinical testing. Allele origin: germline. Affected: yes. Observed: 1 variant allele.
Comment: SLC26A8: BP4, BP7

NM_052961.4(SLC26A8):c.2614C>T (p.Leu872=)

Gene: SLC26A8 (solute carrier family 26 member 8; minus strand). Cytogenetic location: 6p21.31.
Variant type: single nucleotide variant.
Coding change: c.2614C>T on transcript NM_052961.4 (MANE Select); coding-DNA position 2614, C replaced by T.
Protein change: p.Leu872=; no amino-acid change (leucine 872 retained).
Molecular consequence: synonymous variant.
Genome position (GRCh38, 1-based): chr6:35,944,199, G>A on the plus strand (C>T on the coding strand, the complement: SLC26A8 is on the minus strand). VCF-style: chr6-35944199-G-A. GRCh37 (hg19) VCF-style: chr6-35911976-G-A.
Other names: c.2614C>T, p.Leu872= (NM_001193476.2); c.2299C>T, p.Leu767= (NM_138718.3).
Identifiers: ClinVar variation 3904952 (VCV003904952.10).